The following is an entry in ClinVar:

ClinVar aggregate classification (germline): Uncertain significance (1 of 4 stars; one submission).

Conditions:
Leigh syndrome (NULS). Also called: Leigh's necrotizing encephalopathy; Leigh's disease; Leigh's syndrome; LEIGH SYNDROME, NUCLEAR; Leigh Syndrome (mtDNA deletion); Leigh Disease. Identifiers: Orphanet 506, MedGen C2931891, MONDO:0009723, OMIM 256000.

Submission:

Wong Mito Lab, Molecular and Human Genetics, Baylor College of Medicine
Classification: Uncertain significance for Leigh syndrome. Last evaluated: 2019-10-17. Review status: criteria provided, single submitter. Criteria: Modified ACMG Guidelines (Unpublished). Collection method: clinical testing. Allele origin: germline.
Comment: The NC_012920.1:m.15016C>A (YP_003024038.1:p.Phe90Leu) variant in MTCYB gene is interpretated to be a Uncertain Significance variant based on the modified ACMG guidelines (unpublished). This variant meets the following evidence codes: BP4

NC_012920.1(MT-CYB):m.15016C>A

Gene: MT-CYB (mitochondrially encoded cytochrome b; plus strand).
Variant type: single nucleotide variant.
Genome position: chrM-15016-C-A.
Identifiers: ClinVar variation 693811 (VCV000693811.1), dbSNP rs1603225024, ClinGen allele CA913172716.